The following is an entry in ClinVar:

NM_000503.6(EYA1):c.1051-3T>A

Gene: EYA1 (EYA transcriptional coactivator and phosphatase 1; minus strand). Cytogenetic location: 8q13.3.
Variant type: single nucleotide variant.
Coding change: c.1051-3T>A on transcript NM_000503.6 (MANE Select); 3 bases into the intron before coding-DNA position 1051, T replaced by A.
Molecular consequence: intron variant.
Genome position (GRCh38, 1-based): chr8:71,244,695, A>T on the plus strand (T>A on the coding strand, the complement: EYA1 is on the minus strand). VCF-style: chr8-71244695-A-T. GRCh37 (hg19) VCF-style: chr8-72156930-A-T.
Other names: c.1119+25045T>A (NM_001370336.1); c.1138-3T>A (NM_001370333.1); c.1051-3T>A (NM_001370335.1, NM_001370334.1, NM_172058.4); c.1122+25045T>A (NM_172059.5); c.952-3T>A (NM_001411797.1, NM_172060.4); c.685-3T>A (NM_001288575.2); c.1033-3T>A (NM_001288574.2).
Identifiers: ClinVar variation 3255121 (VCV003255121.2), dbSNP rs2537653721.

ClinVar aggregate classification (germline): Likely pathogenic (1 of 4 stars; one submission).

Conditions:
Branchiootic syndrome 1 (BOS1). Also called: BO SYNDROME 1; BRANCHIOOTIC DYSPLASIA. Identifiers: MedGen C1865143, MONDO:0011258, OMIM 602588.

Submission:

Victorian Clinical Genetics Services, Murdoch Childrens Research Institute
Classification: Likely pathogenic for Branchiootic syndrome 1. Last evaluated: 2026-02-23. Review status: criteria provided, single submitter. Criteria: ACMG Guidelines, 2015. Collection method: clinical testing. Allele origin: germline. Affected: yes.
Comment: This variant is classified as Likely pathogenic. Evidence in support of pathogenic classification: Splice site variant proven to affect splicing of the transcript with a known effect on protein sequence. Functional analyses with and without cyclohexamide treatment demonstrate that this splice variant results in reduced canonical splicing (~78-84% compared to 100% in controls) and increased exon 12 skipping (~0.62-1.2% in controls, ~16-22% in affected individual). This is considered a hypomorphic effect and results in an in-frame deletion of exon 12, p.(Asp351_Glu380del) (PERSYST, Adelaide, Australia); Variant is absent from gnomAD (v2, v3 and v4); Other variant(s) comparable to the one identified in this case have moderate previous evidence for pathogenicity. Two alternative variants within the same splice region have been reported in the literature in two unrelated families with branchio-oto-renal syndrome. RT-PCR of patient-derived cells demonstrated exon 12 skipping; each variant segregates with disease in the respective families (PMID: 16491411); Strong phenotype match for this individual. Additional information: This variant is heterozygous; This gene is associated with autosomal dominant disease; This variant has no previous evidence of pathogenicity; No published evidence of segregation with disease has been identified for this variant; Variant affects part of the haloacid dehalogenase-like hydrolase domain (DECIPHER); Loss of function is a known mechanism of disease in this gene and is associated with anterior segment anomalies with or without cataract (MIM#602588), branchiootic syndrome 1 (MIM#602588), and branchiootorenal syndrome 1, with or without cataracts (MIM#113650).

Literature cited by the submitters: PubMed 16491411.